The following is an entry in ClinVar:

ClinVar aggregate classification (germline): Pathogenic (1 of 4 stars; one submission).

Conditions:
Immunodeficiency 23 (IMD23). Also called: IMMUNODEFICIENCY WITH HYPER IgE AND COGNITIVE IMPAIRMENT; IMMUNODEFICIENCY-VASCULITIS-MYOCLONUS SYNDROME. Identifiers: Orphanet 443811, MedGen C4014371, MONDO:0014353, OMIM 615816.

Submission:

Labcorp Genetics (formerly Invitae), Labcorp
Classification: Pathogenic for Immunodeficiency 23. Last evaluated: 2023-05-24. Review status: criteria provided, single submitter. Criteria: Invitae Variant Classification Sherloc (09022015). Collection method: clinical testing. Allele origin: germline.
Comment: For these reasons, this variant has been classified as Pathogenic. Algorithms developed to predict the effect of sequence changes on RNA splicing suggest that this variant may disrupt the consensus splice site. This variant has not been reported in the literature in individuals affected with PGM3-related conditions. This variant is not present in population databases (gnomAD no frequency). This sequence change creates a premature translational stop signal (p.Glu13*) in the PGM3 gene. It is expected to result in an absent or disrupted protein product. Loss-of-function variants in PGM3 are known to be pathogenic (PMID: 17548465, 24589341, 24931394).

Literature cited by the submitters: PubMed 17548465; PubMed 24589341; PubMed 24931394.

NM_015599.3(PGM3):c.-2-218G>T

Gene: PGM3 (phosphoglucomutase 3; minus strand). Cytogenetic location: 6q14.1.
Variant type: single nucleotide variant.
Coding change: c.-2-218G>T on transcript NM_015599.3 (MANE Select); 218 bases into the intron before 2 bases upstream of the start codon, G replaced by T.
Molecular consequence: intron variant. On other transcripts: nonsense (2).
Genome position (GRCh38, 1-based): chr6:83,191,232, C>A on the plus strand (G>T on the coding strand, the complement: PGM3 is on the minus strand). VCF-style: chr6-83191232-C-A. GRCh37 (hg19) VCF-style: chr6-83900951-C-A.
Other names: c.37G>T, p.Glu13Ter (NM_001199917.2, NM_001367287.1); c.-40+1947G>T (NM_001199918.2); c.-2-218G>T (NM_001367286.1, NM_001199919.2); short protein forms E13*.
Identifiers: ClinVar variation 2861234 (VCV002861234.3), dbSNP rs952702867, ClinGen allele CA364854575.
Genomic context (GRCh38, chr6:83,191,232, plus strand): 5'-GTGGGTTAGAATTACCTACAAGATGTTGTCCAACTTGGTATGTCCACTCCTGGGCAGACT[C>A]AGGGCAGATAGCAGATTGTCCCCACTCTCCTCCCATTTTAGCTCCAGGACTATCCTGGAC-3'